The following is an entry in ClinVar:

NM_003072.5(SMARCA4):c.1761+5G>C

Gene: SMARCA4 (SWI/SNF related BAF chromatin remodeling complex subunit ATPase 4; plus strand). Cytogenetic location: 19p13.2.
Variant type: single nucleotide variant.
Coding change: c.1761+5G>C on transcript NM_003072.5 (MANE Select); 5 bases into the intron after coding-DNA position 1761, G replaced by C.
Molecular consequence: intron variant.
Genome position (GRCh38, 1-based): chr19:10,996,385, G>C. VCF-style: chr19-10996385-G-C. GRCh37 (hg19) VCF-style: chr19-11107061-G-C.
Other names: c.1761+5G>C (NM_001128844.3, NM_001128849.3, NM_001128847.4 and 5 more transcripts).
Identifiers: ClinVar variation 1779581 (VCV001779581.2), dbSNP rs1555763822, ClinGen allele CA2580096243.

ClinVar aggregate classification (germline): Uncertain significance (1 of 4 stars; one submission).

Conditions:
Hereditary cancer-predisposing syndrome. Also called: Neoplastic Syndromes, Hereditary; Tumor predisposition; Hereditary Cancer Syndrome; Hereditary neoplastic syndrome. Identifiers: Orphanet 140162, MedGen C0027672, MeSH D009386, MONDO:0015356.

Submission:

Ambry Genetics
Classification: Uncertain significance for Hereditary cancer-predisposing syndrome. Last evaluated: 2022-01-20. Review status: criteria provided, single submitter. Criteria: Ambry Variant Classification Scheme 2023. Collection method: clinical testing. Allele origin: germline.
Comment: The c.1761+5G>C intronic variant results from a G to C substitution 5 nucleotides after coding exon 9 in the SMARCA4 gene. This nucleotide position is highly conserved in available vertebrate species. In silico splice site analysis predicts that this alteration will not have any significant effect on splicing. Since supporting evidence is limited at this time, the clinical significance of this alteration remains unclear.